The following is an entry in ClinVar:

ClinVar aggregate classification (germline): Uncertain significance (1 of 4 stars; one submission).

Allele frequency attached by ClinVar (database versions not stated): gnomAD exomes below 0.00001; TOPMed below 0.00001; gnomAD 0.00001.
gnomAD v4.1: 23 of 1,613,042 alleles (0.0014%); highest among the groups gnomAD compares: Non-Finnish European, 0.0019%; no homozygotes.

Submission:

Labcorp Genetics (formerly Invitae), Labcorp
Classification: Uncertain significance. Last evaluated: 2025-03-17. Review status: criteria provided, single submitter. Criteria: Invitae Variant Classification Sherloc (09022015). Collection method: clinical testing. Allele origin: germline.
Comment: This sequence change replaces phenylalanine, which is neutral and non-polar, with leucine, which is neutral and non-polar, at codon 180 of the CNGA3 protein (p.Phe180Leu). This variant is present in population databases (no rsID available, gnomAD 0.0009%). This variant has not been reported in the literature in individuals affected with CNGA3-related conditions. ClinVar contains an entry for this variant (Variation ID: 1046615). Invitae Evidence Modeling of protein sequence and biophysical properties (such as structural, functional, and spatial information, amino acid conservation, physicochemical variation, residue mobility, and thermodynamic stability) indicates that this missense variant is not expected to disrupt CNGA3 protein function with a negative predictive value of 95%. In summary, the available evidence is currently insufficient to determine the role of this variant in disease. Therefore, it has been classified as a Variant of Uncertain Significance.

NM_001298.3(CNGA3):c.540C>G (p.Phe180Leu)

Gene: CNGA3 (cyclic nucleotide gated channel subunit alpha 3; plus strand). Cytogenetic location: 2q11.2.
Variant type: single nucleotide variant.
Coding change: c.540C>G on transcript NM_001298.3 (MANE Select); coding-DNA position 540, C replaced by G.
Protein change: p.Phe180Leu; replaces phenylalanine 180 with leucine.
Molecular consequence: missense variant.
Genome position (GRCh38, 1-based): chr2:98,389,748, C>G. VCF-style: chr2-98389748-C-G. GRCh37 (hg19) VCF-style: chr2-99006211-C-G.
Other names: c.486C>G, p.Phe162Leu (NM_001079878.2); short protein forms F162L, F180L.
Identifiers: ClinVar variation 1046615 (VCV001046615.8), dbSNP rs1168098739, ClinGen allele CA347831595.